The following is an entry in ClinVar:

NM_000016.6(ACADM):c.785T>A (p.Val262Asp)

Gene: ACADM (acyl-CoA dehydrogenase medium chain; plus strand). Cytogenetic location: 1p31.1.
Variant type: single nucleotide variant.
Coding change: c.785T>A on transcript NM_000016.6 (MANE Select); coding-DNA position 785, T replaced by A.
Protein change: p.Val262Asp; replaces valine 262 with aspartic acid.
Molecular consequence: missense variant.
Genome position (GRCh38, 1-based): chr1:75,749,495, T>A. VCF-style: chr1-75749495-T-A. GRCh37 (hg19) VCF-style: chr1-76215180-T-A.
Other names: c.797T>A, p.Val266Asp (NM_001127328.3); c.677T>A, p.Val226Asp (NM_001286042.2); c.884T>A, p.Val295Asp (NM_001286043.2); c.218T>A, p.Val73Asp (NM_001286044.2); short protein forms V262D, V266D, V226D, V73D, V295D.
Identifiers: ClinVar variation 947838 (VCV000947838.9), dbSNP rs1489192992, ClinGen allele CA340816667.
Genomic context (GRCh38, chr1:75,749,495, plus strand): 5'-AGCGATGTTCAGATACTAGAGGAATTGTCTTCGAAGATGTGAAAGTGCCTAAAGAAAATG[T>A]TTTAATTGGTGACGGAGCTGGTTTCAAAGTTGCAATGGGAGCTTTTGATAAAACCAGACC-3'
Protein context (NP_000007.1, residues 252-272): FEDVKVPKEN[Val262Asp]LIGDGAGFKV

ClinVar aggregate classification (germline): Uncertain significance (1 of 4 stars; one submission).

Conditions:
Medium-chain acyl-coenzyme A dehydrogenase deficiency (ACADMD). Also called: MCADH DEFICIENCY; MCAD Deficiency; ACADM DEFICIENCY; MCADD; CARNITINE DEFICIENCY SECONDARY TO MEDIUM-CHAIN ACYL-CoA DEHYDROGENASE DEFICIENCY; Medium chain acyl-CoA dehydrogenase deficiency. Identifiers: Orphanet 42, MedGen C0220710, MONDO:0008721, OMIM 201450.

Allele frequency attached by ClinVar (database versions not stated): TOPMed below 0.00001.

Submission:

Labcorp Genetics (formerly Invitae), Labcorp
Classification: Uncertain significance for Medium-chain acyl-coenzyme A dehydrogenase deficiency. Last evaluated: 2022-08-16. Review status: criteria provided, single submitter. Criteria: Invitae Variant Classification Sherloc (09022015). Collection method: clinical testing. Allele origin: germline.
Comment: In summary, the available evidence is currently insufficient to determine the role of this variant in disease. Therefore, it has been classified as a Variant of Uncertain Significance. Advanced modeling of protein sequence and biophysical properties (such as structural, functional, and spatial information, amino acid conservation, physicochemical variation, residue mobility, and thermodynamic stability) performed at Invitae indicates that this missense variant is expected to disrupt ACADM protein function. ClinVar contains an entry for this variant (Variation ID: 947838). This variant has not been reported in the literature in individuals affected with ACADM-related conditions. This variant is not present in population databases (gnomAD no frequency). This sequence change replaces valine, which is neutral and non-polar, with aspartic acid, which is acidic and polar, at codon 262 of the ACADM protein (p.Val262Asp).